The following is an entry in ClinVar:

NM_001754.5(RUNX1):c.1353C>A (p.Asp451Glu)

Gene: RUNX1 (RUNX family transcription factor 1; minus strand). Cytogenetic location: 21q22.12.
Variant type: single nucleotide variant.
Coding change: c.1353C>A on transcript NM_001754.5 (MANE Select); coding-DNA position 1353, C replaced by A.
Protein change: p.Asp451Glu; replaces aspartic acid 451 with glutamic acid.
Molecular consequence: missense variant.
Genome position (GRCh38, 1-based): chr21:34,792,225, G>T on the plus strand (C>A on the coding strand, the complement: RUNX1 is on the minus strand). VCF-style: chr21-34792225-G-T. GRCh37 (hg19) VCF-style: chr21-36164522-G-T.
Other names: NM_001754.5(RUNX1):c.1353C>A; p.Asp451Glu; c.1272C>A, p.Asp424Glu (NM_001001890.3); short protein forms D424E, D451E.
Identifiers: ClinVar variation 2678491 (VCV002678491.3), dbSNP rs755054505, ClinGen allele CA410147172.
Genomic context (GRCh38, chr21:34,792,225, plus strand): 5'-GCGCGCGGAGGGCGCCATGTTGGTGGGGGAGTTGCTGTGGCTGCCCTCGGCCTCCACCAC[G>T]TCGCTCTGGTTCGGGAGGCTGGGGTTGAGCAGCGCGGAGCCGGTGGAGGCGTTGGTGCAG-3'
Protein context (NP_001745.2, residues 441-461): LLNPSLPNQS[Asp451Glu]VVEAEGSHSN

ClinVar aggregate classification (germline): Uncertain significance. Review status: reviewed by expert panel (3 of 4 stars). 3 submissions from 3 submitters: Uncertain significance (1). 2 of the submissions do not count toward it. Last evaluated 2024-11-13.

Conditions:
Acute myeloid leukemia (AML). Also called: Acute myeloid leukemia, adult; AML adult; Acute non-lymphocytic leukemia; Acute granulocytic leukemia; Leukemia, acute myelogenous, somatic; Leukemia, acute myeloid, somatic. Identifiers: Orphanet 519, MedGen C0023467, MeSH D015470, MONDO:0018874, OMIM 601626, HP:0004808. Disease mechanism: Constitutively activated FLT3.
Inborn genetic diseases. Identifiers: MedGen C0950123, MeSH D030342.
Hereditary thrombocytopenia and hematologic cancer predisposition syndrome. Identifiers: Orphanet 71290, MedGen CN281654, MONDO:0011071.

gnomAD v4.1: 7 of 1,540,200 alleles (0.00045%); highest among the groups gnomAD compares: Non-Finnish European, 0.00026%; no homozygotes.

Submissions (3):

ClinGen Myeloid Malignancy Variant Curation Expert Panel
Classification: Uncertain significance for Hereditary thrombocytopenia and hematologic cancer predisposition syndrome. Last evaluated: 2024-11-13. Review status: reviewed by expert panel. Criteria: ClinGen MyeloMalig ACMG Specifications v2. Collection method: curation. Allele origin: germline. Inheritance: Autosomal dominant inheritance.
Comment: NM_001754.5(RUNX1):c.1353C>A (p.Asp451Glu) is a missense variant which has a REVEL score < 0.50 (0.106), and a SpliceAI score ≤ 0.20 (0.0) (BP4). In summary, the clinical significance of this variant is uncertain. ACMG/AMP criteria applied, as specified by the Myeloid Malignancy Variant Curation Expert Panel for RUNX1: BP4.

Ambry Genetics
Classification: Likely benign for Inborn genetic diseases. Last evaluated: 2025-01-16. Review status: criteria provided, single submitter. Criteria: Ambry Variant Classification Scheme 2023. Collection method: clinical testing. Allele origin: germline. Not counted in ClinVar's aggregate classification.

Baylor Genetics
Classification: Uncertain significance for Acute myeloid leukemia. Last evaluated: 2023-09-29. Review status: criteria provided, single submitter. Criteria: ACMG Guidelines, 2015. Collection method: clinical testing. Allele origin: unknown. Not counted in ClinVar's aggregate classification.